The following is an entry in ClinVar:

NM_020433.5(JPH2):c.13C>T (p.Arg5Cys)

Gene: JPH2 (junctophilin 2; minus strand). Cytogenetic location: 20q13.12.
Variant type: single nucleotide variant.
Coding change: c.13C>T on transcript NM_020433.5 (MANE Select); coding-DNA position 13, C replaced by T.
Protein change: p.Arg5Cys; replaces arginine 5 with cysteine.
Molecular consequence: missense variant.
Genome position (GRCh38, 1-based): chr20:44,186,693, G>A on the plus strand (C>T on the coding strand, the complement: JPH2 is on the minus strand). VCF-style: chr20-44186693-G-A. GRCh37 (hg19) VCF-style: chr20-42815333-G-A.
Other names: c.13C>T, p.Arg5Cys (NM_175913.4); short protein forms R5C.
Identifiers: ClinVar variation 3531479 (VCV003531479.2).

ClinVar aggregate classification (germline): Uncertain significance. Review status: criteria provided, multiple submitters, no conflicts (2 of 4 stars). 2 submissions from 2 submitters: Uncertain significance (2). Last evaluated 2025-07-02.

Conditions:
Hypertrophic cardiomyopathy. Also called: HYPERTROPHIC MYOCARDIOPATHY. Identifiers: Orphanet 217569, MedGen C0007194, MeSH D002312, MONDO:0005045, HP:0001639.
Cardiovascular phenotype. Identifiers: MedGen CN230736.

Submissions (2):

Labcorp Genetics (formerly Invitae), Labcorp
Classification: Uncertain significance for Hypertrophic cardiomyopathy. Last evaluated: 2025-07-02. Review status: criteria provided, single submitter. Criteria: Invitae Variant Classification Sherloc (09022015). Collection method: clinical testing. Allele origin: germline.
Comment: This sequence change replaces arginine, which is basic and polar, with cysteine, which is neutral and slightly polar, at codon 5 of the JPH2 protein (p.Arg5Cys). The frequency data for this variant in the population databases is considered unreliable, as metrics indicate poor data quality at this position in the gnomAD database. This variant has not been reported in the literature in individuals affected with JPH2-related conditions. ClinVar contains an entry for this variant (Variation ID: 3531479). An algorithm developed to predict the effect of missense changes on protein structure and function (PolyPhen-2) suggests that this variant is likely to be disruptive. In summary, the available evidence is currently insufficient to determine the role of this variant in disease. Therefore, it has been classified as a Variant of Uncertain Significance.

Ambry Genetics
Classification: Uncertain significance for Cardiovascular phenotype. Last evaluated: 2024-08-11. Review status: criteria provided, single submitter. Criteria: Ambry Variant Classification Scheme 2023. Collection method: clinical testing. Allele origin: germline.
Comment: The p.R5C variant (also known as c.13C>T), located in coding exon 1 of the JPH2 gene, results from a C to T substitution at nucleotide position 13. The arginine at codon 5 is replaced by cysteine, an amino acid with highly dissimilar properties. This amino acid position is conserved. In addition, this alteration is predicted to be deleterious by in silico analysis. Based on the available evidence, the clinical significance of this variant remains unclear.